The following is an entry in ClinVar:

NM_001122630.2(CDKN1C):c.85G>A (p.Glu29Lys)

Gene: CDKN1C (cyclin dependent kinase inhibitor 1C; minus strand). Cytogenetic location: 11p15.4.
Variant type: single nucleotide variant.
Coding change: c.85G>A on transcript NM_001122630.2 (MANE Select); coding-DNA position 85, G replaced by A.
Protein change: p.Glu29Lys; replaces glutamic acid 29 with lysine.
Molecular consequence: missense variant.
Genome position (GRCh38, 1-based): chr11:2,885,372, C>T on the plus strand (G>A on the coding strand, the complement: CDKN1C is on the minus strand). VCF-style: chr11-2885372-C-T. GRCh37 (hg19) VCF-style: chr11-2906602-C-T.
Other names: c.118G>A, p.Glu40Lys (NM_000076.2, NM_001362474.2); c.85G>A, p.Glu29Lys (NM_001122631.2, NM_001362475.2); short protein forms E29K, E40K.
Identifiers: ClinVar variation 1920342 (VCV001920342.5), dbSNP rs1564930723, ClinGen allele CA379147710.

ClinVar aggregate classification (germline): Uncertain significance (1 of 4 stars; one submission).

Conditions:
Beckwith-Wiedemann syndrome (BWS). Also called: EMG SYNDROME; Exomphalos macroglossia gigantism syndrome. Identifiers: Orphanet 116, MedGen C0004903, MONDO:0007534, OMIM 130650.

Submission:

Labcorp Genetics (formerly Invitae), Labcorp
Classification: Uncertain significance for Beckwith-Wiedemann syndrome. Last evaluated: 2022-05-27. Review status: criteria provided, single submitter. Criteria: Invitae Variant Classification Sherloc (09022015). Collection method: clinical testing. Allele origin: germline.
Comment: Algorithms developed to predict the effect of missense changes on protein structure and function are either unavailable or do not agree on the potential impact of this missense change (SIFT: "Deleterious"; PolyPhen-2: "Probably Damaging"; Align-GVGD: "Class C15"). In summary, the available evidence is currently insufficient to determine the role of this variant in disease. Therefore, it has been classified as a Variant of Uncertain Significance. This variant has not been reported in the literature in individuals affected with CDKN1C-related conditions. This variant is not present in population databases (gnomAD no frequency). This sequence change replaces glutamic acid, which is acidic and polar, with lysine, which is basic and polar, at codon 40 of the CDKN1C protein (p.Glu40Lys).